The following is an entry in ClinVar:

ClinVar aggregate classification (germline): Uncertain significance. Review status: criteria provided, multiple submitters, no conflicts (2 of 4 stars). 3 submissions from 3 submitters: Uncertain significance (3). Last evaluated 2024-09-09.

Conditions:
Inborn genetic diseases. Identifiers: MedGen C0950123, MeSH D030342.

Allele frequency attached by ClinVar (database versions not stated): ExAC 0.00010; 1000 Genomes Project 30x 0.00016; gnomAD exomes 0.00016 and 0.00030; 1000 Genomes Project 0.00020; gnomAD 0.00023; TOPMed 0.00025; ESP Exome Variant Server 0.00038.
gnomAD v4.1: 469 of 1,577,162 alleles (0.03%); highest among the groups gnomAD compares: Non-Finnish European, 0.038%; no homozygotes.

Submissions (3):

Blueprint Genetics
Classification: Uncertain significance. Last evaluated: 2024-09-09. Review status: criteria provided, single submitter. Criteria: ACMG Guidelines, 2015. Collection method: clinical testing. Allele origin: germline.

Ambry Genetics
Classification: Uncertain significance for Inborn genetic diseases. Last evaluated: 2022-09-26. Review status: criteria provided, single submitter. Criteria: Ambry Variant Classification Scheme 2023. Collection method: clinical testing. Allele origin: germline.

Labcorp Genetics (formerly Invitae), Labcorp
Classification: Uncertain significance. Last evaluated: 2022-09-12. Review status: criteria provided, single submitter. Criteria: Invitae Variant Classification Sherloc (09022015). Collection method: clinical testing. Allele origin: germline.
Comment: This sequence change replaces aspartic acid, which is acidic and polar, with valine, which is neutral and non-polar, at codon 831 of the HELLS protein (p.Asp831Val). This variant is present in population databases (rs150576597, gnomAD 0.03%). This variant has not been reported in the literature in individuals affected with HELLS-related conditions. ClinVar contains an entry for this variant (Variation ID: 1442628). Algorithms developed to predict the effect of missense changes on protein structure and function are either unavailable or do not agree on the potential impact of this missense change (SIFT: "Tolerated"; PolyPhen-2: "Possibly Damaging"; Align-GVGD: "Class C0"). In summary, the available evidence is currently insufficient to determine the role of this variant in disease. Therefore, it has been classified as a Variant of Uncertain Significance.

NM_018063.5(HELLS):c.2492A>T (p.Asp831Val)

Gene: HELLS (helicase, lymphoid specific; plus strand). Cytogenetic location: 10q23.33.
Variant type: single nucleotide variant.
Coding change: c.2492A>T on transcript NM_018063.5 (MANE Select); coding-DNA position 2492, A replaced by T.
Protein change: p.Asp831Val; replaces aspartic acid 831 with valine.
Molecular consequence: missense variant.
Genome position (GRCh38, 1-based): chr10:94,601,597, A>T. VCF-style: chr10-94601597-A-T. GRCh37 (hg19) VCF-style: chr10-96361354-A-T.
Other names: c.2630A>T, p.Asp877Val (NM_001289067.2); c.2444A>T, p.Asp815Val (NM_001289068.2); c.2396A>T, p.Asp799Val (NM_001289069.2); c.2198A>T, p.Asp733Val (NM_001289070.2); c.2120A>T, p.Asp707Val (NM_001289071.2); c.2102A>T, p.Asp701Val (NM_001289072.2); c.2078A>T, p.Asp693Val (NM_001289073.2); c.1409A>T, p.Asp470Val (NM_001289074.2); and 2 more; short protein forms D425V, D707V, D799V, D831V, D470V, D877V, D701V, D733V.
Identifiers: ClinVar variation 1442628 (VCV001442628.5), dbSNP rs150576597, ClinGen allele CA5615746.